The following is an entry in ClinVar:

ClinVar aggregate classification (germline): Uncertain significance (1 of 4 stars; one submission).

Submission:

Labcorp Genetics (formerly Invitae), Labcorp
Classification: Uncertain significance. Last evaluated: 2022-01-19. Review status: criteria provided, single submitter. Criteria: Invitae Variant Classification Sherloc (09022015). Collection method: clinical testing. Allele origin: germline.
Comment: This variant has not been reported in the literature in individuals affected with OAS1-related conditions. Algorithms developed to predict the effect of missense changes on protein structure and function are either unavailable or do not agree on the potential impact of this missense change (SIFT: "Not Available"; PolyPhen-2: "Possibly Damaging"; Align-GVGD: "Not Available"). In summary, the available evidence is currently insufficient to determine the role of this variant in disease. Therefore, it has been classified as a Variant of Uncertain Significance. This variant is not present in population databases (gnomAD no frequency). This sequence change replaces glutamic acid with alanine at codon 185 of the OAS1 protein (p.Glu185Ala). The glutamic acid residue is highly conserved and there is a moderate physicochemical difference between glutamic acid and alanine.

NM_016816.4(OAS1):c.554A>C (p.Glu185Ala)

Gene: OAS1 (2'-5'-oligoadenylate synthetase 1; plus strand). Cytogenetic location: 12q24.13.
Variant type: single nucleotide variant.
Coding change: c.554A>C on transcript NM_016816.4 (MANE Select); coding-DNA position 554, A replaced by C.
Protein change: p.Glu185Ala; replaces glutamic acid 185 with alanine.
Molecular consequence: missense variant.
Genome position (GRCh38, 1-based): chr12:112,911,135, A>C. VCF-style: chr12-112911135-A-C. GRCh37 (hg19) VCF-style: chr12-113348940-A-C.
Other names: c.554A>C, p.Glu185Ala (NM_001032409.3, NM_001320151.2, NM_002534.4); short protein forms E185A.
Identifiers: ClinVar variation 1442548 (VCV001442548.6), dbSNP rs2136302790, ClinGen allele CA386803215.